The following is an entry in ClinVar:

NM_145239.3(PRRT2):c.900G>T (p.Gln300His)

Genes: MVP-DT (MVP divergent transcript; minus strand), PRRT2 (proline rich transmembrane protein 2; plus strand). Cytogenetic location: 16p11.2.
Variant type: single nucleotide variant.
Coding change: c.900G>T on transcript NM_145239.3 (MANE Select); coding-DNA position 900, G replaced by T.
Protein change: p.Gln300His; replaces glutamine 300 with histidine.
Molecular consequence: missense variant. On other transcripts: 3 prime UTR variant (1).
Genome position (GRCh38, 1-based): chr16:29,814,353, G>T. VCF-style: chr16-29814353-G-T. GRCh37 (hg19) VCF-style: chr16-29825674-G-T.
Other names: c.900G>T, p.Gln300His (NM_001256442.2); c.*399G>T (NM_001256443.2); short protein forms Q300H.
Identifiers: ClinVar variation 3637521 (VCV003637521.2).

ClinVar aggregate classification (germline): Uncertain significance (1 of 4 stars; one submission).

Conditions:
Episodic kinesigenic dyskinesia (EKD). Also called: Paroxysmal kinesigenic dyskinesia. Identifiers: Orphanet 98809, MedGen C1868682, MONDO:0044202.

Submission:

Labcorp Genetics (formerly Invitae), Labcorp
Classification: Uncertain significance for Episodic kinesigenic dyskinesia. Last evaluated: 2025-06-12. Review status: criteria provided, single submitter. Criteria: Invitae Variant Classification Sherloc (09022015). Collection method: clinical testing. Allele origin: germline.
Comment: This sequence change replaces glutamine, which is neutral and polar, with histidine, which is basic and polar, at codon 300 of the PRRT2 protein (p.Gln300His). This variant is not present in population databases (gnomAD no frequency). This variant has not been reported in the literature in individuals affected with PRRT2-related conditions. ClinVar contains an entry for this variant (Variation ID: 3637521). Invitae Evidence Modeling of protein sequence and biophysical properties (such as structural, functional, and spatial information, amino acid conservation, physicochemical variation, residue mobility, and thermodynamic stability) has been performed for this missense variant. However, the output from this modeling did not meet the statistical confidence thresholds required to predict the impact of this variant on PRRT2 protein function. In summary, the available evidence is currently insufficient to determine the role of this variant in disease. Therefore, it has been classified as a Variant of Uncertain Significance.